The following is an entry in ClinVar:

NM_005633.4(SOS1):c.3961A>G (p.Arg1321Gly)

Gene: SOS1 (SOS Ras/Rac guanine nucleotide exchange factor 1; minus strand). Cytogenetic location: 2p22.1.
Variant type: single nucleotide variant.
Coding change: c.3961A>G on transcript NM_005633.4 (MANE Select); coding-DNA position 3961, A replaced by G.
Protein change: p.Arg1321Gly; replaces arginine 1321 with glycine.
Molecular consequence: missense variant.
Genome position (GRCh38, 1-based): chr2:38,985,865, T>C on the plus strand (A>G on the coding strand, the complement: SOS1 is on the minus strand). VCF-style: chr2-38985865-T-C. GRCh37 (hg19) VCF-style: chr2-39213006-T-C.
Other names: c.3940A>G, p.Arg1314Gly (NM_001382394.1); c.3916A>G, p.Arg1306Gly (NM_001382395.1); short protein forms R1306G, R1314G, R1321G.
Identifiers: ClinVar variation 4881850 (VCV004881850.2).

ClinVar aggregate classification (germline): Uncertain significance (1 of 4 stars; one submission).

gnomAD v4.1: 2 of 1,613,862 alleles (0.00012%); highest among the groups gnomAD compares: Non-Finnish European, 0.000085%; no homozygotes.

Submission:

Dasa
Classification: Uncertain significance. Last evaluated: 2025-01-27. Review status: criteria provided, single submitter. Criteria: DASA Assertion Criteria. Collection method: clinical testing. Allele origin: germline.
Comment: NM_005633.4(SOS1):c.3961A>G (p.Arg1321Gly) is a missense variant that results in the substitution of arginine with glycine. This variant is rare in population databases. The currently available literature and clinical evidence are not sufficient to establish a definitive association between this variant and the reported condition. Therefore, this variant is classified as a variant of uncertain significance.